The following is an entry in ClinVar:

ClinVar aggregate classification (germline): Uncertain significance (1 of 4 stars; one submission).

Allele frequency attached by ClinVar (database versions not stated): gnomAD 0.00001.

Submission:

Labcorp Genetics (formerly Invitae), Labcorp
Classification: Uncertain significance. Last evaluated: 2024-02-15. Review status: criteria provided, single submitter. Criteria: Invitae Variant Classification Sherloc (09022015). Collection method: clinical testing. Allele origin: germline.
Comment: This sequence change replaces alanine, which is neutral and non-polar, with glycine, which is neutral and non-polar, at codon 2 of the KIF22 protein (p.Ala2Gly). This variant is not present in population databases (gnomAD no frequency). This variant has not been reported in the literature in individuals affected with KIF22-related conditions. Algorithms developed to predict the effect of missense changes on protein structure and function output the following: SIFT: "Not Available"; PolyPhen-2: "Benign"; Align-GVGD: "Not Available". The glycine amino acid residue is found in multiple mammalian species, which suggests that this missense change does not adversely affect protein function. In summary, the available evidence is currently insufficient to determine the role of this variant in disease. Therefore, it has been classified as a Variant of Uncertain Significance.

NM_007317.3(KIF22):c.5C>G (p.Ala2Gly)

Gene: KIF22 (kinesin family member 22; plus strand). Cytogenetic location: 16p11.2.
Variant type: single nucleotide variant.
Coding change: c.5C>G on transcript NM_007317.3 (MANE Select); coding-DNA position 5, C replaced by G.
Protein change: p.Ala2Gly; replaces alanine 2 with glycine.
Molecular consequence: missense variant. On other transcripts: 5 prime UTR variant (1).
Genome position (GRCh38, 1-based): chr16:29,790,764, C>G. VCF-style: chr16-29790764-C-G. GRCh37 (hg19) VCF-style: chr16-29802085-C-G.
Other names: c.-249C>G (NM_001256269.2); short protein forms A2G.
Identifiers: ClinVar variation 3021491 (VCV003021491.3), dbSNP rs987217015, ClinGen allele CA395448607.
Genomic context (GRCh38, chr16:29,790,764, plus strand): 5'-GGGGGCGGGGCACCGGGGAATTCGAATGGGAGAGGCGGGCCCAAGGAGGGAGTGGAATGG[C>G]CGCGGGCGGCTCGACGCAGCAGAGGCGACGCGAGATGGCGGCAGCTTCAGCGGCGGCGAT-3'
Protein context (NP_015556.1, residues 1-12): M[Ala2Gly]AGGSTQQRRR